The following is an entry in ClinVar:

NM_001303256.3(MORC2):c.1258G>T (p.Val420Phe)

Gene: MORC2 (MORC family CW-type zinc finger 2; minus strand). Cytogenetic location: 22q12.2.
Variant type: single nucleotide variant.
Coding change: c.1258G>T on transcript NM_001303256.3 (MANE Select); coding-DNA position 1258, G replaced by T.
Protein change: p.Val420Phe; replaces valine 420 with phenylalanine.
Molecular consequence: missense variant.
Genome position (GRCh38, 1-based): chr22:30,937,926, C>A on the plus strand (G>T on the coding strand, the complement: MORC2 is on the minus strand). VCF-style: chr22-30937926-C-A. GRCh37 (hg19) VCF-style: chr22-31333913-C-A.
Other names: c.1258G>T, p.Val420Phe (NM_001303257.2); c.1072G>T, p.Val358Phe (NM_014941.3); short protein forms V358F, V420F.
Identifiers: ClinVar variation 2580460 (VCV002580460.1), dbSNP rs2517589967, ClinGen allele CA411238989.

ClinVar aggregate classification (germline): Uncertain significance (1 of 4 stars; one submission).

Submission:

GeneDx
Classification: Uncertain significance. Last evaluated: 2023-03-24. Review status: criteria provided, single submitter. Criteria: GeneDx Variant Classification Process June 2021. Collection method: clinical testing. Allele origin: germline. Affected: yes.
Comment: Not observed at significant frequency in large population cohorts (gnomAD); In silico analysis supports that this missense variant has a deleterious effect on protein structure/function; Has not been previously published as pathogenic or benign to our knowledge